The following is an entry in ClinVar:

NM_032043.3(BRIP1):c.85A>G (p.Met29Val)

Gene: BRIP1 (BRCA1 interacting DNA helicase 1; minus strand). Cytogenetic location: 17q23.2.
Variant type: single nucleotide variant.
Coding change: c.85A>G on transcript NM_032043.3 (MANE Select); coding-DNA position 85, A replaced by G.
Protein change: p.Met29Val; replaces methionine 29 with valine.
Molecular consequence: missense variant.
Genome position (GRCh38, 1-based): chr17:61,861,455, T>C on the plus strand (A>G on the coding strand, the complement: BRIP1 is on the minus strand). VCF-style: chr17-61861455-T-C. GRCh37 (hg19) VCF-style: chr17-59938816-T-C.
Other names: c.85A>G (NM_032043.2); short protein forms M29V.
Identifiers: ClinVar variation 998759 (VCV000998759.11), dbSNP rs2078971287, ClinGen allele CA400485913.

ClinVar aggregate classification (germline): Uncertain significance. Review status: criteria provided, multiple submitters, no conflicts (2 of 4 stars). 2 submissions from 2 submitters: Uncertain significance (2). Last evaluated 2026-09-04.

Conditions:
Fanconi anemia complementation group J. Also called: BRIP1-Related Fanconi Anemia. Identifiers: Orphanet 84, MedGen C1836860, MONDO:0012187, OMIM 609054.
Familial cancer of breast. Also called: Hereditary breast cancer; hereditary breast carcinoma; BREAST CANCER, FAMILIAL. Identifiers: Orphanet 227535, MedGen C0346153, MONDO:0016419, OMIM 114480. Disease mechanism: loss of function.
Hereditary cancer-predisposing syndrome. Also called: Tumor predisposition; Hereditary Cancer Syndrome; Hereditary neoplastic syndrome; Neoplastic Syndromes, Hereditary. Identifiers: Orphanet 140162, MedGen C0027672, MeSH D009386, MONDO:0015356.

Submissions (2):

Ambry Genetics
Classification: Uncertain significance for Hereditary cancer-predisposing syndrome. Last evaluated: 2026-09-04. Review status: criteria provided, single submitter. Criteria: Ambry Variant Classification Scheme 2023. Collection method: clinical testing. Allele origin: germline.
Comment: The p.M29V variant (also known as c.85A>G), located in coding exon 1 of the BRIP1 gene, results from an A to G substitution at nucleotide position 85. The methionine at codon 29 is replaced by valine, an amino acid with highly similar properties. This amino acid position is highly conserved in available vertebrate species. In addition, this alteration is predicted to be deleterious by in silico analysis. Based on the available evidence, the clinical significance of this variant remains unclear.

Labcorp Genetics (formerly Invitae), Labcorp
Classification: Uncertain significance for Familial cancer of breast; Fanconi anemia complementation group J. Last evaluated: 2020-01-10. Review status: criteria provided, single submitter. Criteria: Invitae Variant Classification Sherloc (09022015). Collection method: clinical testing. Allele origin: germline.
Comment: This variant has not been reported in the literature in individuals with BRIP1-related conditions. In summary, the available evidence is currently insufficient to determine the role of this variant in disease. Therefore, it has been classified as a Variant of Uncertain Significance. Algorithms developed to predict the effect of sequence changes on RNA splicing suggest that this variant may create or strengthen a splice site, but this prediction has not been confirmed by published transcriptional studies. Algorithms developed to predict the effect of missense changes on protein structure and function are either unavailable or do not agree on the potential impact of this missense change (SIFT: "Deleterious"; PolyPhen-2: "Probably Damaging"; Align-GVGD: "Class C0"). This variant is not present in population databases (ExAC no frequency). This sequence change replaces methionine with valine at codon 29 of the BRIP1 protein (p.Met29Val). The methionine residue is highly conserved and there is a small physicochemical difference between methionine and valine.